The following is an entry in ClinVar:

NM_000053.4(ATP7B):c.2228_2229insACA (p.Tyr743Ter)

Gene: ATP7B (ATPase copper transporting beta; minus strand). Cytogenetic location: 13q14.3.
Variant type: Insertion.
Coding change: c.2228_2229insACA on transcript NM_000053.4 (MANE Select); coding-DNA positions 2228 to 2229, ACA inserted.
Protein change: p.Tyr743Ter; replaces tyrosine 743 with a stop codon.
Molecular consequence: nonsense. On other transcripts: intron variant (20).
Genome position: GRCh38 VCF-style: chr13-51958437-A-ATGT. GRCh37 (hg19) VCF-style: chr13-52532573-A-ATGT.
Other names: c.1895_1896insACA, p.Tyr632Ter (NM_001243182.2); c.1976_1977insACA, p.Tyr659Ter (NM_001330579.2, NM_001406531.1, NM_001406532.1 and 1 more transcripts); c.2228_2229insACA, p.Tyr743Ter (NM_001406511.1, NM_001406512.1, NM_001406513.1 and 7 more transcripts); c.2195_2196insACA, p.Tyr732Ter (NM_001406514.1); c.2132_2133insACA, p.Tyr711Ter (NM_001406517.1, NM_001406518.1); c.2122-831_2122-830insAAC (NM_001406534.1, NM_001406538.1, NM_001330578.2 and 2 more transcripts); c.2122-38_2122-37insAAC (NM_001406520.1, NM_001406537.1, NM_001406521.1 and 1 more transcripts); c.1774-831_1774-830insAAC (NM_001406544.1); and 8 more; short protein forms Y627*, Y732*, Y743*, Y632*, Y659*, Y711*, Y600*.
Identifiers: ClinVar variation 2707274 (VCV002707274.3), dbSNP rs2547715622, ClinGen allele CA2697551870.

ClinVar aggregate classification (germline): Pathogenic (1 of 4 stars; one submission).

Conditions:
Wilson disease (WND). Also called: Wilson's disease. Identifiers: Orphanet 905, MedGen C0019202, MONDO:0010200, OMIM 277900. Disease mechanism: loss of function.

Submission:

Labcorp Genetics (formerly Invitae), Labcorp
Classification: Pathogenic for Wilson disease. Last evaluated: 2024-01-04. Review status: criteria provided, single submitter. Criteria: Invitae Variant Classification Sherloc (09022015). Collection method: clinical testing. Allele origin: germline.
Comment: This sequence change creates a premature translational stop signal (p.Tyr743*) in the ATP7B gene. It is expected to result in an absent or disrupted protein product. Loss-of-function variants in ATP7B are known to be pathogenic (PMID: 10441329, 16283883). This variant is not present in population databases (gnomAD no frequency). This variant has not been reported in the literature in individuals affected with ATP7B-related conditions. For these reasons, this variant has been classified as Pathogenic.

Literature cited by the submitters: PubMed 10441329; PubMed 16283883.